The following is an entry in ClinVar:

ClinVar aggregate classification (germline): Uncertain significance. Review status: criteria provided, multiple submitters, no conflicts (2 of 4 stars). 3 submissions from 3 submitters: Uncertain significance (3). Last evaluated 2023-09-08.

Conditions:
Hereditary cancer-predisposing syndrome. Also called: Neoplastic Syndromes, Hereditary; Tumor predisposition; Hereditary Cancer Syndrome; Hereditary neoplastic syndrome. Identifiers: Orphanet 140162, MedGen C0027672, MeSH D009386, MONDO:0015356.
Endometrial carcinoma. Also called: Endometrial carcinoma, somatic. Identifiers: MedGen C0476089, MONDO:0002447, OMIM 608089, HP:0012114.

Allele frequency attached by ClinVar (database versions not stated): gnomAD exomes below 0.00001.
gnomAD v4.1: 4 of 1,613,140 alleles (0.00025%); highest among the groups gnomAD compares: Non-Finnish European, 0.00034%; no homozygotes.

Submissions (3):

Baylor Genetics
Classification: Uncertain significance for Endometrial carcinoma. Last evaluated: 2023-09-08. Review status: criteria provided, single submitter. Criteria: ACMG Guidelines, 2015. Collection method: clinical testing. Allele origin: unknown.

Ambry Genetics
Classification: Uncertain significance for Hereditary cancer-predisposing syndrome. Last evaluated: 2023-02-28. Review status: criteria provided, single submitter. Criteria: Ambry Variant Classification Scheme 2023. Collection method: clinical testing. Allele origin: germline.
Comment: The p.Y334H variant (also known as c.1000T>C), located in coding exon 6 of the MSH3 gene, results from a T to C substitution at nucleotide position 1000. The tyrosine at codon 334 is replaced by histidine, an amino acid with similar properties. This amino acid position is highly conserved in available vertebrate species. In addition, this alteration is predicted to be deleterious by in silico analysis. Since supporting evidence is limited at this time, the clinical significance of this alteration remains unclear.

Labcorp Genetics (formerly Invitae), Labcorp
Classification: Uncertain significance. Last evaluated: 2023-02-28. Review status: criteria provided, single submitter. Criteria: Invitae Variant Classification Sherloc (09022015). Collection method: clinical testing. Allele origin: germline.
Comment: This sequence change replaces tyrosine, which is neutral and polar, with histidine, which is basic and polar, at codon 334 of the MSH3 protein (p.Tyr334His). This variant is not present in population databases (gnomAD no frequency). This variant has not been reported in the literature in individuals affected with MSH3-related conditions. ClinVar contains an entry for this variant (Variation ID: 1754952). An algorithm developed to predict the effect of missense changes on protein structure and function (PolyPhen-2) suggests that this variant is likely to be disruptive. In summary, the available evidence is currently insufficient to determine the role of this variant in disease. Therefore, it has been classified as a Variant of Uncertain Significance.

NM_002439.5(MSH3):c.1000T>C (p.Tyr334His)

Genes: MSH3 (mutS homolog 3; plus strand), LOC126807437 (MED14-independent group 3 enhancer GRCh37_chr5:79968379-79969578; plus strand). Cytogenetic location: 5q14.1.
Variant type: single nucleotide variant.
Coding change: c.1000T>C on transcript NM_002439.5 (MANE Select); coding-DNA position 1000, T replaced by C.
Protein change: p.Tyr334His; replaces tyrosine 334 with histidine.
Molecular consequence: missense variant.
Genome position (GRCh38, 1-based): chr5:80,672,831, T>C. VCF-style: chr5-80672831-T-C. GRCh37 (hg19) VCF-style: chr5-79968650-T-C.
Other names: short protein forms Y334H.
Identifiers: ClinVar variation 1754952 (VCV001754952.7), dbSNP rs1580552318, ClinGen allele CA360267504.
Genomic context (GRCh38, chr5:80,672,831, plus strand): 5'-GCATTAAAGGCCATTGGAGACAACAGAAGTTCACTCTTTTCCCGGAAATTGACTGCCCTT[T>C]ATACAAAATCTACACTTATTGGAGAAGATATCCTTTTTGGACGGGAGTTTTTCTCTTAAA-3'
Protein context (NP_002430.3, residues 324-344): SLFSRKLTAL[Tyr334His]TKSTLIGEDV